The following is an entry in ClinVar:

ClinVar aggregate classification (germline): Uncertain significance (1 of 4 stars; one submission).

Allele frequency attached by ClinVar (database versions not stated): gnomAD 0.00001; gnomAD exomes 0.00001; ExAC 0.00002; TOPMed 0.00002; ESP Exome Variant Server 0.00008.
gnomAD v4.1: 11 of 1,614,060 alleles (0.00068%); highest among the groups gnomAD compares: South Asian, 0.0099%; no homozygotes.

Submission:

Labcorp Genetics (formerly Invitae), Labcorp
Classification: Uncertain significance. Last evaluated: 2023-10-03. Review status: criteria provided, single submitter. Criteria: Invitae Variant Classification Sherloc (09022015). Collection method: clinical testing. Allele origin: germline.
Comment: This sequence change replaces glutamine, which is neutral and polar, with arginine, which is basic and polar, at codon 1302 of the ERCC6 protein (p.Gln1302Arg). This variant is present in population databases (rs375878979, gnomAD 0.003%). This variant has not been reported in the literature in individuals affected with ERCC6-related conditions. ClinVar contains an entry for this variant (Variation ID: 1932017). Advanced modeling of protein sequence and biophysical properties (such as structural, functional, and spatial information, amino acid conservation, physicochemical variation, residue mobility, and thermodynamic stability) performed at Invitae indicates that this missense variant is not expected to disrupt ERCC6 protein function. In summary, the available evidence is currently insufficient to determine the role of this variant in disease. Therefore, it has been classified as a Variant of Uncertain Significance.

NM_000124.4(ERCC6):c.3905A>G (p.Gln1302Arg)

Gene: ERCC6 (ERCC excision repair 6, chromatin remodeling factor; minus strand). Cytogenetic location: 10q11.23.
Variant type: single nucleotide variant.
Coding change: c.3905A>G on transcript NM_000124.4 (MANE Select); coding-DNA position 3905, A replaced by G.
Protein change: p.Gln1302Arg; replaces glutamine 1302 with arginine.
Molecular consequence: missense variant.
Genome position (GRCh38, 1-based): chr10:49,461,430, T>C on the plus strand (A>G on the coding strand, the complement: ERCC6 is on the minus strand). VCF-style: chr10-49461430-T-C. GRCh37 (hg19) VCF-style: chr10-50669476-T-C.
Other names: c.3905A>G, p.Gln1302Arg (NM_001346440.2); short protein forms Q1302R.
Identifiers: ClinVar variation 1932017 (VCV001932017.3), dbSNP rs375878979, ClinGen allele CA5495236.